The following is an entry in ClinVar:

NM_152564.5(VPS13B):c.979C>T (p.Gln327Ter)

Gene: VPS13B (vacuolar protein sorting 13 homolog B; plus strand). Cytogenetic location: 8q22.2.
Variant type: single nucleotide variant.
Coding change: c.979C>T on transcript NM_152564.5 (MANE Select); coding-DNA position 979, C replaced by T.
Protein change: p.Gln327Ter; replaces glutamine 327 with a stop codon.
Molecular consequence: nonsense. On other transcripts: non-coding transcript variant (1).
Genome position (GRCh38, 1-based): chr8:99,121,218, C>T. VCF-style: chr8-99121218-C-T. GRCh37 (hg19) VCF-style: chr8-100133446-C-T.
Other names: c.979C>T, p.Gln327Ter (NM_015243.3, NM_017890.5, NM_181661.3); short protein forms Q327*.
Identifiers: ClinVar variation 813126 (VCV000813126.7), dbSNP rs1205613982, ClinGen allele CA371860842.

ClinVar aggregate classification (germline): Pathogenic. Review status: criteria provided, multiple submitters, no conflicts (2 of 4 stars). 3 submissions from 3 submitters: Pathogenic (3). Last evaluated 2023-06-02.

Conditions:
Cohen syndrome (COH1). Also called: Cutis verticis gyrata, retinitis pigmentosa, and sensorineural deafness; PEPPER SYNDROME. Identifiers: Orphanet 193, MedGen C0265223, MONDO:0008999, OMIM 216550.
Retinitis pigmentosa (RP). Identifiers: Orphanet 791, MedGen C0035334, MeSH D012174, MONDO:0019200, OMIM 268000. Inheritance: Autosomal dominant, autosomal recessive and X linked inheritance.

Allele frequency attached by ClinVar (database versions not stated): gnomAD exomes below 0.00001.
gnomAD v4.1: 1 of 1,613,916 alleles (0.000062%); highest among the groups gnomAD compares: South Asian, 0.0011%; no homozygotes.

Submissions (3):

3billion
Classification: Pathogenic for Cohen syndrome. Last evaluated: 2023-06-02. Review status: criteria provided, single submitter. Criteria: ACMG Guidelines, 2015. Collection method: clinical testing. Allele origin: germline. Affected: yes.
Comment: The variant is not observed in the gnomAD v2.1.1 dataset. Predicted Consequence/Location: Stop-gained (nonsense): predicted to result in a loss or disruption of normal protein function through nonsense-mediated decay (NMD) or protein truncation. Multiple pathogenic variants are reported downstream of the variant. The variant has been reported at least twice as pathogenic without evidence for the classification (ClinVar ID: VCV000813126). Therefore, this variant is classified as Pathogenic according to the recommendation of ACMG/AMP guideline.

Labcorp Genetics (formerly Invitae), Labcorp
Classification: Pathogenic for Cohen syndrome. Last evaluated: 2021-06-15. Review status: criteria provided, single submitter. Criteria: Invitae Variant Classification Sherloc (09022015). Collection method: clinical testing. Allele origin: germline.
Comment: This sequence change creates a premature translational stop signal (p.Gln327*) in the VPS13B gene. It is expected to result in an absent or disrupted protein product. Loss-of-function variants in VPS13B are known to be pathogenic (PMID: 15141358, 16648375, 20461111). For these reasons, this variant has been classified as Pathogenic. This variant has not been reported in the literature in individuals with VPS13B-related conditions. ClinVar contains an entry for this variant (Variation ID: 813126). This variant is not present in population databases (ExAC no frequency).

Molecular Genetics Laboratory, Institute for Ophthalmic Research
Classification: Pathogenic for Retinitis pigmentosa. Last evaluated: 2020-01-09. Review status: criteria provided, single submitter. Criteria: ACMG Guidelines, 2015. Collection method: research. Allele origin: germline. Affected: yes.

Literature cited by the submitters: PubMed 15141358 (cited by Labcorp Genetics (formerly Invitae), Labcorp); PubMed 16648375 (cited by Labcorp Genetics (formerly Invitae), Labcorp); PubMed 20461111 (cited by Labcorp Genetics (formerly Invitae), Labcorp).